The following is an entry in ClinVar:

NM_004531.5(MOCS2):c.479C>T (p.Ala160Val)

Gene: MOCS2 (molybdenum cofactor synthesis 2; minus strand). Cytogenetic location: 5q11.2.
Variant type: single nucleotide variant.
Coding change: c.479C>T on transcript NM_004531.5 (MANE Select); coding-DNA position 479, C replaced by T.
Protein change: p.Ala160Val; replaces alanine 160 with valine.
Molecular consequence: missense variant. On other transcripts: 3 prime UTR variant (1).
Genome position (GRCh38, 1-based): chr5:53,100,433, G>A on the plus strand (C>T on the coding strand, the complement: MOCS2 is on the minus strand). VCF-style: chr5-53100433-G-A. GRCh37 (hg19) VCF-style: chr5-52396263-G-A.
Other names: c.*399C>T (NM_176806.4); short protein forms A160V.
Identifiers: ClinVar variation 1510213 (VCV001510213.5), dbSNP rs1740875690, ClinGen allele CA359692749.

ClinVar aggregate classification (germline): Uncertain significance (1 of 4 stars; one submission).

Allele frequency attached by ClinVar (database versions not stated): TOPMed below 0.00001.

Submission:

Labcorp Genetics (formerly Invitae), Labcorp
Classification: Uncertain significance. Last evaluated: 2021-07-13. Review status: criteria provided, single submitter. Criteria: Invitae Variant Classification Sherloc (09022015). Collection method: clinical testing. Allele origin: germline.
Comment: This sequence change replaces alanine with valine at codon 160 of the MOCS2B protein (p.Ala160Val). The alanine residue is highly conserved and there is a small physicochemical difference between alanine and valine. This variant is not present in population databases (ExAC no frequency). This variant has not been reported in the literature in individuals affected with MOCS2B-related conditions. Algorithms developed to predict the effect of missense changes on protein structure and function are either unavailable or do not agree on the potential impact of this missense change (SIFT: "Tolerated"; PolyPhen-2: "Possibly Damaging"; Align-GVGD: "Class C0"). In summary, the available evidence is currently insufficient to determine the role of this variant in disease. Therefore, it has been classified as a Variant of Uncertain Significance.